The following is an entry in ClinVar:

Conditions:
Long QT syndrome 5 (LQT5). Identifiers: Orphanet 101016, Orphanet 768, MedGen C1867904, MONDO:0013372, OMIM 613695.

Submission:

Roden Lab, Vanderbilt University Medical Center
No classification provided (evidence only). Condition: Long QT syndrome 5. Review status: no classification provided. Collection method: in vitro. Allele origin: not applicable. Functional consequence: Effect on ion channel function.
ClinVar note: "not provided" was previously submitted as the classification for the variant. However, the classification appeared to be based only on an observation of functional data so it was converted to no classification on 2025-07-30.

NM_000219.6(KCNE1):c.134T>A (p.Leu45His)

Gene: KCNE1 (potassium voltage-gated channel subfamily E regulatory subunit 1; minus strand). Cytogenetic location: 21q22.12.
Variant type: single nucleotide variant.
Coding change: c.134T>A on transcript NM_000219.6 (MANE Select); coding-DNA position 134, T replaced by A.
Protein change: p.Leu45His; replaces leucine 45 with histidine.
Molecular consequence: missense variant.
Genome position (GRCh38, 1-based): chr21:34,449,501, A>T on the plus strand (T>A on the coding strand, the complement: KCNE1 is on the minus strand). VCF-style: chr21-34449501-A-T. GRCh37 (hg19) VCF-style: chr21-35821799-A-T.
Other names: c.134T>A, p.Leu45His (NM_001127668.4, NM_001127669.4, NM_001127670.4 and 4 more transcripts); short protein forms L45H.
Identifiers: ClinVar variation 3374136 (VCV003374136.2).
Genomic context (GRCh38, chr21:34,449,501, plus strand): 5'-TAGCTCAGCATGATGCCCAGGGTGAAGAAGCCGAAGAATCCCAGTACCATGAGGACGTAG[A>T]GGGCCTCCAGCTTGCCGTCACTGCTGCGGGGGGACCTGCGGGCCAGGCCCGACATGTTGC-3'
Protein context (NP_000210.2, residues 35-55): PRSSDGKLEA[Leu45His]YVLMVLGFFG